The following is an entry in ClinVar:

NM_015164.4(PLEKHM2):c.1849G>A (p.Gly617Arg)

Gene: PLEKHM2 (pleckstrin homology and RUN domain containing M2; plus strand). Cytogenetic location: 1p36.21.
Variant type: single nucleotide variant.
Coding change: c.1849G>A on transcript NM_015164.4 (MANE Select); coding-DNA position 1849, G replaced by A.
Protein change: p.Gly617Arg; replaces glycine 617 with arginine.
Molecular consequence: missense variant.
Genome position (GRCh38, 1-based): chr1:15,728,285, G>A. VCF-style: chr1-15728285-G-A. GRCh37 (hg19) VCF-style: chr1-16054780-G-A.
Other names: short protein forms G617R.
Identifiers: ClinVar variation 947258 (VCV000947258.6), dbSNP rs746131818, ClinGen allele CA617044.

ClinVar aggregate classification (germline): Uncertain significance (1 of 4 stars; one submission).

Conditions:
Dilated Cardiomyopathy, Recessive.

Allele frequency attached by ClinVar (database versions not stated): TOPMed below 0.00001; gnomAD 0.00001; ExAC 0.00002; gnomAD exomes 0.00002.
gnomAD v4.1: 8 of 1,613,160 alleles (0.0005%); highest among the groups gnomAD compares: East Asian, 0.0022%; no homozygotes.

Submission:

Labcorp Genetics (formerly Invitae), Labcorp
Classification: Uncertain significance. Last evaluated: 2024-06-19. Review status: criteria provided, single submitter. Criteria: Invitae Variant Classification Sherloc (09022015). Collection method: clinical testing. Allele origin: germline.
Comment: This sequence change replaces glycine, which is neutral and non-polar, with arginine, which is basic and polar, at codon 617 of the PLEKHM2 protein (p.Gly617Arg). This variant is present in population databases (rs746131818, gnomAD 0.006%). This variant has not been reported in the literature in individuals affected with PLEKHM2-related conditions. ClinVar contains an entry for this variant (Variation ID: 947258). An algorithm developed to predict the effect of missense changes on protein structure and function (PolyPhen-2) suggests that this variant is likely to be disruptive. In summary, the available evidence is currently insufficient to determine the role of this variant in disease. Therefore, it has been classified as a Variant of Uncertain Significance.